The following is an entry in ClinVar:

ClinVar aggregate classification (germline): Uncertain significance (1 of 4 stars; one submission).

Submission:

GeneDx
Classification: Uncertain significance. Last evaluated: 2023-03-01. Review status: criteria provided, single submitter. Criteria: GeneDx Variant Classification Process June 2021. Collection method: clinical testing. Allele origin: germline. Affected: yes.
Comment: Not observed at significant frequency in large population cohorts (gnomAD); Frameshift variant predicted to result in protein truncation as the last 107 amino acids are replaced with 8 different amino acids, although loss-of-function variants have not been reported downstream of this position in the protein; Has not been previously published as pathogenic or benign to our knowledge

NM_138615.3(DHX30):c.3263_3266del (p.Val1088fs)

Gene: DHX30 (DExH-box helicase 30; plus strand). Cytogenetic location: 3p21.31.
Variant type: Deletion.
Coding change: c.3263_3266del on transcript NM_138615.3 (MANE Select); coding-DNA positions 3263 to 3266, 4 bases deleted (TCCG; older notation c.3263_3266delTCCG).
Protein change: p.Val1088fs; shifts the reading frame from valine 1088.
Molecular consequence: frameshift variant.
Genome position (GRCh38, 1-based): chr3:47,849,701-47,849,704, TCCG deleted; deleting any 4 consecutive bases within chr3:47,849,699-47,849,704 gives the same sequence; the c. name uses the placement nearest the transcript's 3' end. VCF-style (leftmost placement, unchanged base first): chr3-47849698-TCGTC-T. GRCh37 (hg19) VCF-style: chr3-47891188-TCGTC-T.
Other names: c.3179_3182del, p.Val1060fs (NM_001330990.2); c.3146_3149del, p.Val1049fs (NM_014966.4); short protein forms V1049fs, V1060fs, V1088fs.
Identifiers: ClinVar variation 2578044 (VCV002578044.1), dbSNP rs2549307457, ClinGen allele CA2577582636.